The following is an entry in ClinVar:

NM_001199107.2(TBC1D24):c.230T>C (p.Ile77Thr)

Gene: TBC1D24 (TBC1 domain family member 24; plus strand). Cytogenetic location: 16p13.3.
Variant type: single nucleotide variant.
Coding change: c.230T>C on transcript NM_001199107.2 (MANE Select); coding-DNA position 230, T replaced by C.
Protein change: p.Ile77Thr; replaces isoleucine 77 with threonine.
Molecular consequence: missense variant.
Genome position (GRCh38, 1-based): chr16:2,496,378, T>C. VCF-style: chr16-2496378-T-C. GRCh37 (hg19) VCF-style: chr16-2546379-T-C.
Other names: c.230T>C, p.Ile77Thr (NM_020705.3); short protein forms I77T.
Identifiers: ClinVar variation 3749128 (VCV003749128.2).

ClinVar aggregate classification (germline): Uncertain significance (1 of 4 stars; one submission).

Conditions:
Autosomal dominant nonsyndromic hearing loss 65. Also called: Deafness, autosomal dominant 65; TBC1D24-Related Autosomal Dominant Nonsyndromic Hearing Loss (DFNA). Identifiers: Orphanet 90635, MedGen C3892048, MONDO:0014470, OMIM 616044.
Developmental and epileptic encephalopathy, 1 (DEE1). Also called: INFANTILE SPASM SYNDROME, X-LINKED 1; X-linked infantile spasms; West's syndrome; Tonic spasms with clustering, arrest of psychomotor development and hypsarrhythmia on EEG; X-Linked Infantile Spasm Syndrome; OHTAHARA SYNDROME, X-LINKED. Identifiers: MedGen C3463992, MONDO:0010632, OMIM 308350. Disease mechanism: loss of function.

gnomAD v4.1: 2 of 1,613,250 alleles (0.00012%); highest among the groups gnomAD compares: Admixed American, 0.0033%; no homozygotes.

Submission:

Labcorp Genetics (formerly Invitae), Labcorp
Classification: Uncertain significance for Developmental and epileptic encephalopathy, 1; Autosomal dominant nonsyndromic hearing loss 65. Last evaluated: 2024-09-13. Review status: criteria provided, single submitter. Criteria: Invitae Variant Classification Sherloc (09022015). Collection method: clinical testing. Allele origin: germline.
Comment: This sequence change replaces isoleucine, which is neutral and non-polar, with threonine, which is neutral and polar, at codon 77 of the TBC1D24 protein (p.Ile77Thr). This variant is not present in population databases (gnomAD no frequency). This variant has not been reported in the literature in individuals affected with TBC1D24-related conditions. Invitae Evidence Modeling of protein sequence and biophysical properties (such as structural, functional, and spatial information, amino acid conservation, physicochemical variation, residue mobility, and thermodynamic stability) indicates that this missense variant is not expected to disrupt TBC1D24 protein function with a negative predictive value of 80%. In summary, the available evidence is currently insufficient to determine the role of this variant in disease. Therefore, it has been classified as a Variant of Uncertain Significance.